The following is an entry in ClinVar:

NM_000532.5(PCCB):c.763G>A (p.Gly255Ser)

Gene: PCCB (propionyl-CoA carboxylase subunit beta; plus strand). Cytogenetic location: 3q22.3.
Variant type: single nucleotide variant.
Coding change: c.763G>A on transcript NM_000532.5 (MANE Select); coding-DNA position 763, G replaced by A.
Protein change: p.Gly255Ser; replaces glycine 255 with serine.
Molecular consequence: missense variant.
Genome position (GRCh38, 1-based): chr3:136,293,864, G>A. VCF-style: chr3-136293864-G-A. GRCh37 (hg19) VCF-style: chr3-136012706-G-A.
Other names: c.823G>A, p.Gly275Ser (NM_001178014.2); short protein forms G255S, G275S.
Identifiers: ClinVar variation 557375 (VCV000557375.7), dbSNP rs1553778909, ClinGen allele CA354643739.

ClinVar aggregate classification (germline): Likely pathogenic. Review status: criteria provided, multiple submitters, no conflicts (2 of 4 stars). 4 submissions from 4 submitters: Likely pathogenic (3). 1 of the submissions does not count toward it. Last evaluated 2025-12-12.

Conditions:
Propionic acidemia (PROP). Also called: GLYCINEMIA, KETOTIC; HYPERGLYCINEMIA WITH KETOACIDOSIS AND LEUKOPENIA; KETOTIC HYPERGLYCINEMIA. Identifiers: Orphanet 35, MedGen C0268579, MONDO:0011628, OMIM 606054, HP:0003571.

Submissions (4):

Women's Health and Genetics/Laboratory Corporation of America, LabCorp
Classification: Likely pathogenic for Propionic acidemia. Last evaluated: 2025-12-12. Review status: criteria provided, single submitter. Criteria: LabCorp Variant Classification Summary - May 2015. Collection method: clinical testing. Allele origin: germline.
Comment: Variant summary: PCCB c.763G>A (p.Gly255Ser) results in a non-conservative amino acid change in the encoded protein sequence. Algorithms developed to predict the effect of missense changes on protein structure and function all suggest that this variant is likely to be disruptive. Several computational tools predict a significant impact on normal splicing: Four predict the variant weakens a .canonical 5' donor site. At least one publication reports experimental evidence that this variant affects mRNA splicing (Gallego-Villar_2013). The variant was absent in 251066 control chromosomes (gnomAD). c.763G>A has been observed in individuals affected with Propionic Acidemia (e.g. Gallego-Villar_2013, Stanescu_2021). These data indicate that the variant may be associated with disease. At least one publication reports experimental evidence evaluating an impact on protein function. The most pronounced variant effect results in >50%-90% of normal activity (Gallego-Villar_2013). The following publications have been ascertained in the context of this evaluation (PMID: 23053474, 33473339, 33923806). ClinVar contains an entry for this variant (Variation ID: 557375). Based on the evidence outlined above, the variant was classified as likely pathogenic.

Natera, Inc.
Classification: Likely pathogenic for Propionic acidemia. Last evaluated: 2025-03-10. Review status: criteria provided, single submitter. Criteria: Natera Variant Classification Schema (03/2026). Collection method: clinical testing. Allele origin: germline.
Comment: The c.763G>A variant in PCCB is a missense variant predicted to cause substitution of glycine to serine at amino acid 255. This variant is rare in the general population with a frequency below the threshold expected for the associated phenotype(s). This variant has been observed in one or more individuals affected with the associated recessive disease, as either homozygous or compound heterozygous with a second variant (PMID: 23053474, 29247206). Computational prediction algorithms indicate this variant is likely to affect gene or protein function. Given the available evidence, this variant is classified as Likely Pathogenic.

Laboratory of Inherited Metabolic Diseases, Research centre for medical genetics
Classification: Likely pathogenic for Propionic acidemia. Last evaluated: 2021-02-17. Review status: criteria provided, single submitter. Criteria: ACMG Guidelines, 2015. Collection method: research, in vitro. Allele origin: unknown, not applicable. Affected: yes.
Comment: PM1, PM2, PM5, PP2, PP3

Counsyl
Classification: Uncertain significance for Propionic acidemia. Last evaluated: 2018-03-22. Review status: no assertion criteria provided. Collection method: clinical testing. Allele origin: unknown. Not counted in ClinVar's aggregate classification.

Literature cited by the submitters: PubMed 23053474 (cited by 3 submitters); PubMed 33473339 (cited by Women's Health and Genetics/Laboratory Corporation of America, LabCorp); PubMed 33923806 (cited by Women's Health and Genetics/Laboratory Corporation of America, LabCorp); PubMed 29247206 (cited by Natera, Inc.).